The following is an entry in ClinVar:

NM_000098.3(CPT2):c.1081G>A (p.Ala361Thr)

Gene: CPT2 (carnitine palmitoyltransferase 2; plus strand). Cytogenetic location: 1p32.3.
Variant type: single nucleotide variant.
Coding change: c.1081G>A on transcript NM_000098.3 (MANE Select); coding-DNA position 1081, G replaced by A.
Protein change: p.Ala361Thr; replaces alanine 361 with threonine.
Molecular consequence: missense variant.
Genome position (GRCh38, 1-based): chr1:53,210,755, G>A. VCF-style: chr1-53210755-G-A. GRCh37 (hg19) VCF-style: chr1-53676427-G-A.
Other names: c.1081G>A, p.Ala361Thr (NM_001330589.2); short protein forms A361T.
Identifiers: ClinVar variation 529865 (VCV000529865.15), dbSNP rs755500312, ClinGen allele CA859124.

ClinVar aggregate classification (germline): Uncertain significance. Review status: criteria provided, multiple submitters, no conflicts (2 of 4 stars). 4 submissions from 4 submitters: Uncertain significance (3). 1 of the submissions does not count toward it. Last evaluated 2024-11-20.

Conditions:
Inborn genetic diseases. Identifiers: MedGen C0950123, MeSH D030342.
Carnitine palmitoyltransferase II deficiency. Also called: Carnitine Palmitoyltransferase 2 Deficiency. Identifiers: Orphanet 157, MedGen C0342790, MONDO:0015515.

Allele frequency attached by ClinVar (database versions not stated): gnomAD exomes 0.00002 and 0.00003; gnomAD 0.00004 and 0.00003; ExAC 0.00002; TOPMed 0.00003.
gnomAD v4.1: 47 of 1,613,980 alleles (0.0029%); highest among the groups gnomAD compares: Non-Finnish European, 0.0038%; no homozygotes.

Submissions (4):

Dasa
Classification: Uncertain significance. Last evaluated: 2024-11-20. Review status: criteria provided, single submitter. Criteria: DASA Assertion Criteria. Collection method: clinical testing. Allele origin: germline.
Comment: NM_000098.3(CPT2):c.1081G>A (p.Ala361Thr) is a missense variant that results in the substitution of alanine with threonine. This variant is rare in population databases. Computational prediction algorithms are consistent with a benign effect. The currently available literature and clinical evidence are not sufficient to establish a definitive association between this variant and the reported condition. Therefore, this variant is classified as a variant of uncertain significance.

Ambry Genetics
Classification: Uncertain significance for Inborn genetic diseases. Last evaluated: 2024-06-28. Review status: criteria provided, single submitter. Criteria: Ambry Variant Classification Scheme 2023. Collection method: clinical testing. Allele origin: germline.

Labcorp Genetics (formerly Invitae), Labcorp
Classification: Uncertain significance for Carnitine palmitoyltransferase II deficiency. Last evaluated: 2022-07-25. Review status: criteria provided, single submitter. Criteria: Invitae Variant Classification Sherloc (09022015). Collection method: clinical testing. Allele origin: germline.
Comment: This sequence change replaces alanine, which is neutral and non-polar, with threonine, which is neutral and polar, at codon 361 of the CPT2 protein (p.Ala361Thr). This variant is present in population databases (rs755500312, gnomAD 0.006%). This variant has not been reported in the literature in individuals affected with CPT2-related conditions. ClinVar contains an entry for this variant (Variation ID: 529865). Advanced modeling of protein sequence and biophysical properties (such as structural, functional, and spatial information, amino acid conservation, physicochemical variation, residue mobility, and thermodynamic stability) performed at Invitae indicates that this missense variant is not expected to disrupt CPT2 protein function. In summary, the available evidence is currently insufficient to determine the role of this variant in disease. Therefore, it has been classified as a Variant of Uncertain Significance.

Natera, Inc.
Classification: Uncertain significance for Carnitine palmitoyltransferase II deficiency. Last evaluated: 2019-10-28. Review status: no assertion criteria provided. Collection method: clinical testing. Allele origin: germline. Not counted in ClinVar's aggregate classification.